The following is an entry in ClinVar:

NM_003072.5(SMARCA4):c.3940G>C (p.Asp1314His)

Gene: SMARCA4 (SWI/SNF related BAF chromatin remodeling complex subunit ATPase 4; plus strand). Cytogenetic location: 19p13.2.
Variant type: single nucleotide variant.
Coding change: c.3940G>C on transcript NM_003072.5 (MANE Select); coding-DNA position 3940, G replaced by C.
Protein change: p.Asp1314His; replaces aspartic acid 1314 with histidine.
Molecular consequence: missense variant. On other transcripts: non-coding transcript variant (1).
Genome position (GRCh38, 1-based): chr19:11,034,189, G>C. VCF-style: chr19-11034189-G-C. GRCh37 (hg19) VCF-style: chr19-11144865-G-C.
Other names: c.3940G>C, p.Asp1314His (NM_001128844.3, NM_001128849.3, NM_001387283.1); c.3841G>C, p.Asp1281His (NM_001128845.2, NM_001128846.2, NM_001128847.4 and 3 more transcripts); short protein forms D1281H, D1314H.
Identifiers: ClinVar variation 1736356 (VCV001736356.3), dbSNP rs2146679515, ClinGen allele CA404067938.

ClinVar aggregate classification (germline): Uncertain significance. Review status: criteria provided, multiple submitters, no conflicts (2 of 4 stars). 2 submissions from 2 submitters: Uncertain significance (2). Last evaluated 2025-06-18.

Conditions:
Hereditary cancer-predisposing syndrome. Also called: Neoplastic Syndromes, Hereditary; Tumor predisposition; Hereditary Cancer Syndrome; Hereditary neoplastic syndrome. Identifiers: Orphanet 140162, MedGen C0027672, MeSH D009386, MONDO:0015356.
Rhabdoid tumor predisposition syndrome 2 (RTPS2). Identifiers: Orphanet 231108, Orphanet 69077, MedGen C2750074, MONDO:0013224, OMIM 613325.

Submissions (2):

Labcorp Genetics (formerly Invitae), Labcorp
Classification: Uncertain significance for Rhabdoid tumor predisposition syndrome 2. Last evaluated: 2025-06-18. Review status: criteria provided, single submitter. Criteria: Invitae Variant Classification Sherloc (09022015). Collection method: clinical testing. Allele origin: germline.
Comment: This sequence change replaces aspartic acid, which is acidic and polar, with histidine, which is basic and polar, at codon 1314 of the SMARCA4 protein (p.Asp1314His). This variant is not present in population databases (gnomAD no frequency). This variant has not been reported in the literature in individuals affected with SMARCA4-related conditions. ClinVar contains an entry for this variant (Variation ID: 1736356). Invitae Evidence Modeling of protein sequence and biophysical properties (such as structural, functional, and spatial information, amino acid conservation, physicochemical variation, residue mobility, and thermodynamic stability) has been performed for this missense variant. However, the output from this modeling did not meet the statistical confidence thresholds required to predict the impact of this variant on SMARCA4 protein function. In summary, the available evidence is currently insufficient to determine the role of this variant in disease. Therefore, it has been classified as a Variant of Uncertain Significance.

Ambry Genetics
Classification: Uncertain significance for Hereditary cancer-predisposing syndrome. Last evaluated: 2015-12-10. Review status: criteria provided, single submitter. Criteria: Ambry Variant Classification Scheme 2023. Collection method: clinical testing. Allele origin: germline.
Comment: The p.D1314H variant (also known as c.3940G>C), located in coding exon 27 of the SMARCA4 gene, results from a G to C substitution at nucleotide position 3940. The aspartic acid at codon 1314 is replaced by histidine, an amino acid with similar properties. This variant was not reported in population based cohorts in the following databases: Database of Single Nucleotide Polymorphisms (dbSNP), NHLBI Exome Sequencing Project (ESP), and 1000 Genomes Project. In the ESP, this variant was not observed in 6503 samples (13006 alleles) with coverage at this position. To date, this alteration has been detected with an allele frequency of approximately 0.003% (greater than 30000 alleles tested) in our clinical cohort. Based on protein sequence alignment, this amino acid position is highly conserved in available vertebrate species. In addition, the in silico prediction for this alteration is inconclusive. Since supporting evidence is limited at this time, the clinical significance of p.D1314H remains unclear.